The following is an entry in ClinVar:

NM_000709.4(BCKDHA):c.586G>A (p.Gly196Ser)

Gene: BCKDHA (branched chain keto acid dehydrogenase E1 subunit alpha; plus strand). Cytogenetic location: 19q13.2.
Variant type: single nucleotide variant.
Coding change: c.586G>A on transcript NM_000709.4 (MANE Select); coding-DNA position 586, G replaced by A.
Protein change: p.Gly196Ser; replaces glycine 196 with serine.
Molecular consequence: missense variant.
Genome position (GRCh38, 1-based): chr19:41,419,236, G>A. VCF-style: chr19-41419236-G-A. GRCh37 (hg19) VCF-style: chr19-41925141-G-A.
Other names: c.586G>A, p.Gly196Ser (NM_001164783.2); short protein forms G196S.
Identifiers: ClinVar variation 1195904 (VCV001195904.5), dbSNP rs1191782907, ClinGen allele CA406010979.

ClinVar aggregate classification (germline): Uncertain significance. Review status: criteria provided, multiple submitters, no conflicts (2 of 4 stars). 2 submissions from 2 submitters: Uncertain significance (2). Last evaluated 2022-04-22.

Conditions:
Maple syrup urine disease (MSUD). Identifiers: Orphanet 511, MedGen C0024776, MeSH D008375, MONDO:0009563. Disease mechanism: loss of function.

Allele frequency attached by ClinVar (database versions not stated): gnomAD exomes below 0.00001.
gnomAD v4.1: 5 of 1,614,220 alleles (0.00031%); highest among the groups gnomAD compares: Middle Eastern, 0.033%; no homozygotes.

Submissions (2):

Labcorp Genetics (formerly Invitae), Labcorp
Classification: Uncertain significance for Maple syrup urine disease. Last evaluated: 2022-04-22. Review status: criteria provided, single submitter. Criteria: Invitae Variant Classification Sherloc (09022015). Collection method: clinical testing. Allele origin: germline.
Comment: This sequence change replaces glycine, which is neutral and non-polar, with serine, which is neutral and polar, at codon 196 of the BCKDHA protein (p.Gly196Ser). This variant is present in population databases (no rsID available, gnomAD 0.0009%). This variant has not been reported in the literature in individuals affected with BCKDHA-related conditions. ClinVar contains an entry for this variant (Variation ID: 1195904). Advanced modeling of protein sequence and biophysical properties (such as structural, functional, and spatial information, amino acid conservation, physicochemical variation, residue mobility, and thermodynamic stability) performed at Invitae indicates that this missense variant is expected to disrupt BCKDHA protein function. Algorithms developed to predict the effect of sequence changes on RNA splicing suggest that this variant may create or strengthen a splice site. In summary, the available evidence is currently insufficient to determine the role of this variant in disease. Therefore, it has been classified as a Variant of Uncertain Significance.

Genome-Nilou Lab
Classification: Uncertain significance for Maple syrup urine disease type 1A. Last evaluated: 2021-07-14. Review status: criteria provided, single submitter. Criteria: ACMG Guidelines, 2015. Collection method: clinical testing. Allele origin: germline. Affected: no.